The following is an entry in ClinVar:

NM_001278116.2(L1CAM):c.2601C>G (p.His867Gln)

Gene: L1CAM (L1 cell adhesion molecule; minus strand). Cytogenetic location: Xq28.
Variant type: single nucleotide variant.
Coding change: c.2601C>G on transcript NM_001278116.2 (MANE Select); coding-DNA position 2601, C replaced by G.
Protein change: p.His867Gln; replaces histidine 867 with glutamine.
Molecular consequence: missense variant.
Genome position (GRCh38, 1-based): chrX:153,865,447, G>C on the plus strand (C>G on the coding strand, the complement: L1CAM is on the minus strand). VCF-style: chrX-153865447-G-C. GRCh37 (hg19) VCF-style: chrX-153130902-G-C.
Other names: c.2601C>G, p.His867Gln (NM_000425.5, NM_024003.3); c.2586C>G, p.His862Gln (NM_001143963.2); short protein forms H867Q, H862Q.
Identifiers: ClinVar variation 3636361 (VCV003636361.2).

ClinVar aggregate classification (germline): Uncertain significance (1 of 4 stars; one submission).

Conditions:
Spastic paraplegia. Identifiers: MedGen C0037772, HP:0001258.

Submission:

Labcorp Genetics (formerly Invitae), Labcorp
Classification: Uncertain significance for Spastic paraplegia. Last evaluated: 2024-10-13. Review status: criteria provided, single submitter. Criteria: Invitae Variant Classification Sherloc (09022015). Collection method: clinical testing. Allele origin: germline.
Comment: This sequence change replaces histidine, which is basic and polar, with glutamine, which is neutral and polar, at codon 867 of the L1CAM protein (p.His867Gln). This variant is not present in population databases (gnomAD no frequency). This variant has not been reported in the literature in individuals affected with L1CAM-related conditions. Invitae Evidence Modeling of protein sequence and biophysical properties (such as structural, functional, and spatial information, amino acid conservation, physicochemical variation, residue mobility, and thermodynamic stability) indicates that this missense variant is not expected to disrupt L1CAM protein function with a negative predictive value of 95%. In summary, the available evidence is currently insufficient to determine the role of this variant in disease. Therefore, it has been classified as a Variant of Uncertain Significance.